The following is an entry in ClinVar:

ClinVar aggregate classification (germline): Uncertain significance (1 of 4 stars; one submission).

Allele frequency attached by ClinVar (database versions not stated): gnomAD exomes below 0.00001; gnomAD 0.00001; ExAC 0.00002.
gnomAD v4.1: 5 of 1,613,830 alleles (0.00031%); highest among the groups gnomAD compares: Admixed American, 0.005%; no homozygotes.

Submission:

Labcorp Genetics (formerly Invitae), Labcorp
Classification: Uncertain significance. Last evaluated: 2022-07-14. Review status: criteria provided, single submitter. Criteria: Invitae Variant Classification Sherloc (09022015). Collection method: clinical testing. Allele origin: germline.
Comment: In summary, the available evidence is currently insufficient to determine the role of this variant in disease. Therefore, it has been classified as a Variant of Uncertain Significance. Algorithms developed to predict the effect of missense changes on protein structure and function are either unavailable or do not agree on the potential impact of this missense change (SIFT: "Not Available"; PolyPhen-2: "Possibly Damaging"; Align-GVGD: "Not Available"). This variant has not been reported in the literature in individuals affected with IREB2-related conditions. This variant is present in population databases (rs773327393, gnomAD 0.006%). This sequence change replaces isoleucine, which is neutral and non-polar, with threonine, which is neutral and polar, at codon 884 of the IREB2 protein (p.Ile884Thr).

NM_004136.4(IREB2):c.2651T>C (p.Ile884Thr)

Gene: IREB2 (iron responsive element binding protein 2; plus strand). Cytogenetic location: 15q25.1.
Variant type: single nucleotide variant.
Coding change: c.2651T>C on transcript NM_004136.4 (MANE Select); coding-DNA position 2651, T replaced by C.
Protein change: p.Ile884Thr; replaces isoleucine 884 with threonine.
Molecular consequence: missense variant.
Genome position (GRCh38, 1-based): chr15:78,497,181, T>C. VCF-style: chr15-78497181-T-C. GRCh37 (hg19) VCF-style: chr15-78789523-T-C.
Other names: c.1901T>C, p.Ile634Thr (NM_001320941.2); c.2480T>C, p.Ile827Thr (NM_001320942.2, NM_001354994.2); short protein forms I884T, I634T, I827T.
Identifiers: ClinVar variation 1932542 (VCV001932542.4), dbSNP rs773327393, ClinGen allele CA7683296.
Genomic context (GRCh38, chr15:78,497,181, plus strand): 5'-TACAGGGTGTGAAAGCTGTTTTGGCCGAAAGTTATGAAAAAATACACAAAGATCATTTGA[T>C]TGGAATTGGCATAGCTCCACTTCAGTTCCTTCCAGGAGAAAATGCAGATTCCTTGGGCCT-3'
Protein context (NP_004127.2, residues 874-894): SYEKIHKDHL[Ile884Thr]GIGIAPLQFL